The following is an entry in ClinVar:

NM_000064.4(C3):c.2437A>G (p.Lys813Glu)

Gene: C3 (complement C3; minus strand). Cytogenetic location: 19p13.3.
Variant type: single nucleotide variant.
Coding change: c.2437A>G on transcript NM_000064.4 (MANE Select); coding-DNA position 2437, A replaced by G.
Protein change: p.Lys813Glu; replaces lysine 813 with glutamic acid.
Molecular consequence: missense variant.
Genome position (GRCh38, 1-based): chr19:6,702,130, T>C on the plus strand (A>G on the coding strand, the complement: C3 is on the minus strand). VCF-style: chr19-6702130-T-C. GRCh37 (hg19) VCF-style: chr19-6702141-T-C.
Other names: short protein forms K813E.
Identifiers: ClinVar variation 4280167 (VCV004280167.1).

ClinVar aggregate classification (germline): Uncertain significance (1 of 4 stars; one submission).

Conditions:
Complement component 3 deficiency. Identifiers: Orphanet 280133, MedGen C3151071, MONDO:0013417, OMIM 613779.
C3 glomerulonephritis. Also called: Nephropathy due to CFHR5 Deficiency; C3 GLOMERULOPATHY 3. Identifiers: Orphanet 329931, MedGen C4055342, MONDO:0013892, OMIM 614809.
Atypical hemolytic-uremic syndrome. Identifiers: Orphanet 2134, MedGen C2931788, MONDO:0016244.

Submission:

Genomenon, Inc
Classification: Uncertain significance for Complement component 3 deficiency; C3 glomerulonephritis; Atypical hemolytic-uremic syndrome. Last evaluated: 2025-09-30. Review status: criteria provided, single submitter. Criteria: Genomenon Sequence Variant Interpretation Standards. Collection method: curation. Allele origin: germline. Affected: no.
Comment: C3 p.Lys813Glu (c.2437A>G) is a missense variant that changes the amino acid at residue 813 from Lysine to Glutamic acid. This variant has been reported in the published literature (PMID:30890598). It is absent or not present at a significant frequency in gnomAD. In conclusion, we classify C3 p.Lys813Glu (c.2437A>G) as a variant of unknown significance.

Literature cited by the submitters: PubMed 30890598.